The following is an entry in ClinVar:

ClinVar aggregate classification (germline): Uncertain significance. Review status: criteria provided, multiple submitters, no conflicts (2 of 4 stars). 2 submissions from 2 submitters: Uncertain significance (2). Last evaluated 2025-05-03.

Conditions:
Epidermolysis bullosa simplex, Ogna type (EBS5A). Also called: Pidermolysis bullosa simplex 5A, Ogna type; EPIDERMOLYSIS BULLOSA SIMPLEX 5A, OGNA TYPE. Identifiers: Orphanet 79401, MedGen C0432317, MONDO:0007555, OMIM 131950.
Epidermolysis bullosa simplex 5C, with pyloric atresia (EBS5C). Also called: Epidermolysis bullosa simplex with pyloric atresia; PLEC-Related Epidermolysis Bullosa with Pyloric Atresia; PLEC1-Related Epidermolysis Bullosa with Pyloric Atresia. Identifiers: Orphanet 158684, MedGen C2677349, MONDO:0012807, OMIM 612138.
Epidermolysis bullosa simplex with nail dystrophy (EBS5D). Identifiers: MedGen C4225309, MONDO:0014661, OMIM 616487.
Epidermolysis bullosa simplex 5B, with muscular dystrophy (EBS5B). Also called: EPIDERMOLYSIS BULLOSA SIMPLEX AND LIMB-GIRDLE MUSCULAR DYSTROPHY; Epidermolysis bullosa simplex with muscular dystrophy. Identifiers: Orphanet 257, MedGen C2931072, MONDO:0009181, OMIM 226670.
Autosomal recessive limb-girdle muscular dystrophy type 2Q (LGMDR17). Also called: MUSCULAR DYSTROPHY, LIMB-GIRDLE, AUTOSOMAL RECESSIVE 17. Identifiers: Orphanet 254361, MedGen C3150989, MONDO:0013390, OMIM 613723.
Inborn genetic diseases. Identifiers: MedGen C0950123, MeSH D030342.

Allele frequency attached by ClinVar (database versions not stated): gnomAD 0.00002; gnomAD exomes 0.00002; TOPMed 0.00002; ExAC 0.00003.
gnomAD v4.1: 36 of 1,612,342 alleles (0.0022%); highest among the groups gnomAD compares: Non-Finnish European, 0.0027%; no homozygotes.

Submissions (2):

Labcorp Genetics (formerly Invitae), Labcorp
Classification: Uncertain significance for Autosomal recessive limb-girdle muscular dystrophy type 2Q; Epidermolysis bullosa simplex, Ogna type; Epidermolysis bullosa simplex with nail dystrophy; Epidermolysis bullosa simplex 5C, with pyloric atresia; Epidermolysis bullosa simplex 5B, with muscular dystrophy. Last evaluated: 2025-05-03. Review status: criteria provided, single submitter. Criteria: Invitae Variant Classification Sherloc (09022015). Collection method: clinical testing. Allele origin: germline.
Comment: This sequence change replaces proline, which is neutral and non-polar, with leucine, which is neutral and non-polar, at codon 1322 of the PLEC protein (p.Pro1322Leu). This variant is present in population databases (rs782005960, gnomAD 0.006%). This variant has not been reported in the literature in individuals affected with PLEC-related conditions. ClinVar contains an entry for this variant (Variation ID: 649454). Invitae Evidence Modeling of protein sequence and biophysical properties (such as structural, functional, and spatial information, amino acid conservation, physicochemical variation, residue mobility, and thermodynamic stability) indicates that this missense variant is expected to disrupt PLEC protein function with a positive predictive value of 80%. In summary, the available evidence is currently insufficient to determine the role of this variant in disease. Therefore, it has been classified as a Variant of Uncertain Significance.

Ambry Genetics
Classification: Uncertain significance for Inborn genetic diseases. Last evaluated: 2025-04-11. Review status: criteria provided, single submitter. Criteria: Ambry Variant Classification Scheme 2023. Collection method: clinical testing. Allele origin: germline.

NM_201384.3(PLEC):c.3884C>T (p.Pro1295Leu)

Gene: PLEC (plectin; minus strand). Cytogenetic location: 8q24.3.
Variant type: single nucleotide variant.
Coding change: c.3884C>T on transcript NM_201384.3 (MANE Select); coding-DNA position 3884, C replaced by T.
Protein change: p.Pro1295Leu; replaces proline 1295 with leucine.
Molecular consequence: missense variant.
Genome position (GRCh38, 1-based): chr8:143,927,038, G>A on the plus strand (C>T on the coding strand, the complement: PLEC is on the minus strand). VCF-style: chr8-143927038-G-A. GRCh37 (hg19) VCF-style: chr8-145001206-G-A.
Other names: c.3965C>T, p.Pro1322Leu (NM_000445.5); c.3842C>T, p.Pro1281Leu (NM_201378.4); c.3818C>T, p.Pro1273Leu (NM_201379.3); c.4295C>T, p.Pro1432Leu (NM_201380.4); c.3788C>T, p.Pro1263Leu (NM_201381.3); c.3884C>T, p.Pro1295Leu (NM_201382.4); c.3896C>T, p.Pro1299Leu (NM_201383.3); c.3965C>T (NM_000445.3); short protein forms P1295L, P1299L, P1432L, P1263L, P1273L, P1281L, P1322L.
Identifiers: ClinVar variation 649454 (VCV000649454.9), dbSNP rs782005960, ClinGen allele CA4926864.